The following is an entry in ClinVar:

NM_003489.4(NRIP1):c.3439C>G (p.Leu1147Val)

Gene: NRIP1 (nuclear receptor interacting protein 1; minus strand). Cytogenetic location: 21q11.2.
Variant type: single nucleotide variant.
Coding change: c.3439C>G on transcript NM_003489.4 (MANE Select); coding-DNA position 3439, C replaced by G.
Protein change: p.Leu1147Val; replaces leucine 1147 with valine.
Molecular consequence: missense variant.
Genome position (GRCh38, 1-based): chr21:14,964,754, G>C on the plus strand (C>G on the coding strand, the complement: NRIP1 is on the minus strand). VCF-style: chr21-14964754-G-C. GRCh37 (hg19) VCF-style: chr21-16337075-G-C.
Other names: short protein forms L1147V.
Identifiers: ClinVar variation 3367024 (VCV003367024.1).

ClinVar aggregate classification (germline): Uncertain significance (1 of 4 stars; one submission).

Conditions:
Congenital anomalies of kidney and urinary tract 3. Identifiers: MedGen C4748921, MONDO:0032646, OMIM 618270.

Submission:

Neuberg Centre For Genomic Medicine, NCGM
Classification: Uncertain significance for Congenital anomalies of kidney and urinary tract 3. Last evaluated: 2023-05-20. Review status: criteria provided, single submitter. Criteria: ACMG Guidelines, 2015. Collection method: clinical testing. Allele origin: germline. Inheritance: Autosomal dominant inheritance. Affected: yes.
Comment: The observed missense c.3439C>G(p.Leu1147Val) variant in NRIP1 gene has not been reported previously as a pathogenic variant nor as a benign variant, to our knowledge. This variant is absent in gnomAD Exomes. The amino acid Leu at position 1147 is changed to a Val changing protein sequence and it might alter its composition and physico-chemical properties. The amino acid change p.Leu1147Val in NRIP1 is predicted as conserved by GERP++ and PhyloP across 100 vertebrates. Computational evidence (Polyphen - Benign, SIFT - Tolerated, and MutationTaster - Disease causing) predicts conflicting evidence on protein structure and function for this variant. For these reasons, this variant has been classified as Uncertain Significance.